The following is an entry in ClinVar:

ClinVar aggregate classification (germline): Pathogenic. Review status: criteria provided, multiple submitters, no conflicts (2 of 4 stars). 8 submissions from 8 submitters: Pathogenic (8). Last evaluated 2026-08-06.

Conditions:
Cardiomyopathy (CMYO). Also called: Cardiomyopathies. Identifiers: Orphanet 167848, MedGen C0878544, MONDO:0004994, HP:0001638. Inheritance: Various modes of inheritance.
DSP-related disorder. Also called: DSP-related condition; DSP-related disorders.
Cardiovascular phenotype. Identifiers: MedGen CN230736.
Arrhythmogenic cardiomyopathy with wooly hair and keratoderma. Also called: PALMOPLANTAR KERATODERMA WITH LEFT VENTRICULAR CARDIOMYOPATHY AND WOOLLY HAIR; Carvajal syndrome; Arrhythmogenic cardiomyopathy with woolly hair and keratoderma; Dilated cardiomyopathy with woolly hair and keratoderma. Identifiers: Orphanet 65282, MedGen C1854063, MONDO:0011581, OMIM 605676.
Arrhythmogenic right ventricular dysplasia 8 (ARVD8). Also called: Arrhythmogenic Right Ventricular Dysplasia/Cardiomyopathy 8; ARRHYTHMOGENIC RIGHT VENTRICULAR DYSPLASIA, FAMILIAL, 8; ARRHYTHMOGENIC RIGHT VENTRICULAR CARDIOMYOPATHY 8. Identifiers: MedGen C1843896, MONDO:0011831, OMIM 607450.

Allele frequency attached by ClinVar (database versions not stated): gnomAD exomes below 0.00001.

Submissions (8):

OLLIN Analises Genomicas, OLLIN
Classification: Pathogenic for Arrhythmogenic right ventricular dysplasia 8. Last evaluated: 2026-08-06. Review status: criteria provided, single submitter. Criteria: ACMG Guidelines 2015 PMID 25741868. Collection method: clinical testing. Allele origin: germline. Inheritance: Autosomal dominant inheritance.
Comment: This nonsense variant, located in exon 4 (of 24), has been reported in ClinVar (accession VCV001425499.13), in gnomAD with an allele frequency of 0.00012%, and in the scientific literature in individuals with DSP related disorders (PMID: 25403600, 27532257, 35444050, 37477868, 32522011). This variant introduces a premature stop codon, which is predicted to result in either a truncated protein or degradation of the mRNA via nonsense-mediated decay (NMD). According to the currently available evidence, this variant has been classified as pathogenic (PVS1, PS4_M, PM2_P).

3billion
Classification: Pathogenic for Arrhythmogenic right ventricular dysplasia 8. Last evaluated: 2025-12-04. Review status: criteria provided, single submitter. Criteria: ACMG Guidelines, 2015. Collection method: clinical testing. Allele origin: germline. Affected: yes.
Comment: The variant is observed at an extremely low frequency in the gnomAD v4.1.0 dataset (total allele frequency: <0.001%). Predicted Consequence/Location: Stop-gained (nonsense): predicted to result in a loss or disruption of normal protein function through nonsense-mediated decay (NMD) or protein truncation. Multiple pathogenic variants are reported downstream of the variant. The variant has been reported at least twice as pathogenic without evidence for the classification (ClinVar ID: VCV001425499 /PMID: 25403600). Therefore, this variant is classified as Pathogenic according to the recommendation of ACMG/AMP guideline.

Labcorp Genetics (formerly Invitae), Labcorp
Classification: Pathogenic for Arrhythmogenic cardiomyopathy with wooly hair and keratoderma; Arrhythmogenic right ventricular dysplasia 8. Last evaluated: 2024-11-24. Review status: criteria provided, single submitter. Criteria: Invitae Variant Classification Sherloc (09022015). Collection method: clinical testing. Allele origin: germline.
Comment: This sequence change creates a premature translational stop signal (p.Arg150*) in the DSP gene. It is expected to result in an absent or disrupted protein product. Loss-of-function variants in DSP are known to be pathogenic (PMID: 20716751, 24503780, 25227139). This variant is not present in population databases (gnomAD no frequency). This premature translational stop signal has been observed in individual(s) with clinical features of DSP-related conditions (PMID: 25403600, 27532257). ClinVar contains an entry for this variant (Variation ID: 1425499). For these reasons, this variant has been classified as Pathogenic.

Blueprint Genetics
Classification: Pathogenic for DSP-related disorders. Last evaluated: 2024-07-04. Review status: criteria provided, single submitter. Criteria: ACMG Guidelines, 2015. Collection method: clinical testing. Allele origin: germline. Affected: yes. Observed: 5 variant alleles.

All of Us Research Program, National Institutes of Health
Classification: Pathogenic for Arrhythmogenic cardiomyopathy with wooly hair and keratoderma. Last evaluated: 2024-06-09. Review status: criteria provided, single submitter. Criteria: ACMG Guidelines, 2015. Collection method: clinical testing. Allele origin: germline. Inheritance: Autosomal dominant inheritance. Observed: 1 variant allele, 1 heterozygote.
Comment: This variant changes 1 nucleotide in exon 4 of the DSP gene, creating a premature translation stop signal. This variant is expected to result in an absent or non-functional protein product. This variant has been reported in individuals affected with cardiomyopathy (PMID: 25403600), dilated cardiiomyopathy (PMID: 27532257, 35444050), primary cardiomyopathy (PMID: 37477868), as well as in an individual with suspected myocarditis associated with sustained ventricular arrhythmias and RV abnormalities (PMID: 32522011). This variant has not been identified in the general population by the Genome Aggregation Database (gnomAD). Loss of DSP function is a known mechanism of disease. Based on the available evidence, this variant is classified as Pathogenic.

This study involves interpretation of variants in research participants for the purpose of population health screening. Participant phenotype was not available at the time of variant classification. Additional details can be found in publication PMID: 35346344, PMCID: PMC8962531

Color Diagnostics, LLC DBA Color Health
Classification: Pathogenic for Cardiomyopathy. Last evaluated: 2024-04-02. Review status: criteria provided, single submitter. Criteria: ACMG Guidelines, 2015. Collection method: clinical testing. Allele origin: germline.
Comment: This variant changes 1 nucleotide in exon 4 of the DSP gene, creating a premature translation stop signal. This variant is expected to result in an absent or non-functional protein product. This variant has been reported in individuals affected with cardiomyopathy (PMID: 25403600), dilated cardiiomyopathy (PMID: 27532257, 35444050), primary cardiomyopathy (PMID: 37477868), as well as in an individual with suspected myocarditis associated with sustained ventricular arrhythmias and RV abnormalities (PMID: 32522011). This variant has not been identified in the general population by the Genome Aggregation Database (gnomAD). Loss of DSP function is a known mechanism of disease. Based on the available evidence, this variant is classified as Pathogenic.

GeneDx
Classification: Pathogenic. Last evaluated: 2023-05-02. Review status: criteria provided, single submitter. Criteria: GeneDx Variant Classification Process June 2021. Collection method: clinical testing. Allele origin: germline. Affected: yes.
Comment: Nonsense variant predicted to result in protein truncation or nonsense mediated decay in a gene for which loss-of-function is a known mechanism of disease; Not observed at significant frequency in large population cohorts (gnomAD); This variant is associated with the following publications: (PMID: 25403600, 27532257, 32522011)

Ambry Genetics
Classification: Pathogenic for Cardiovascular phenotype. Last evaluated: 2019-10-23. Review status: criteria provided, single submitter. Criteria: Ambry Variant Classification Scheme 2023. Collection method: clinical testing. Allele origin: germline.
Comment: The p.R150* pathogenic mutation (also known as c.448C>T), located in coding exon 4 of the DSP gene, results from a C to T substitution at nucleotide position 448. This changes the amino acid from an arginine to a stop codon within coding exon 4. Alterations in DSP that result in haploinsufficiency or protein truncation have been reported in patients with arrhythmogenic right ventricular cardiomyopathy (ARVC) and dilated cardiomyopathy (DCM) (Fressart V et al. Europace. 2010;12(6):861-8; Elliott P et al. Circ Cardiovasc Genet. 2010;3(4):314-22; Quarta G et al. Circulation. 2011;123(23):2701-9; Garcia-Pavia P et al. Heart. 2011;97(21):1744-52; Rasmussen TB et al. Clin Genet. 2013;84(1):20-30; Pugh TJ et al. Genet Med. 2014;16(8):601-8). This p.R150* variant was detected in a sudden cardiac death case with left-dominant arrhythmogenic cardiomyopathy and in two close family members with some arrhythmogenic findings (Pilichou K et al. Circulation, 2014 Nov;130:e180-2); p.R150* was also reported in a DCM genetic testing cohort with limited clinical details provided (Walsh R et al. Genet. Med., 2017 02;19:192-203). This alteration is expected to result in loss of function by premature protein truncation or nonsense-mediated mRNA decay. As such, this alteration is interpreted as a disease-causing mutation.

Literature cited by the submitters: PubMed 25403600 (cited by 6 submitters); PubMed 27532257 (cited by 5 submitters); PubMed 35444050 (cited by 3 submitters); PubMed 37477868 (cited by 3 submitters); PubMed 32522011 (cited by 3 submitters); PubMed 20716751 (cited by Labcorp Genetics (formerly Invitae), Labcorp); PubMed 24503780 (cited by Labcorp Genetics (formerly Invitae), Labcorp); PubMed 25227139 (cited by Labcorp Genetics (formerly Invitae), Labcorp).

NM_004415.4(DSP):c.448C>T (p.Arg150Ter)

Gene: DSP (desmoplakin; plus strand). Cytogenetic location: 6p24.3.
Variant type: single nucleotide variant.
Coding change: c.448C>T on transcript NM_004415.4 (MANE Select); coding-DNA position 448, C replaced by T.
Protein change: p.Arg150Ter; replaces arginine 150 with a stop codon.
Molecular consequence: nonsense.
Genome position (GRCh38, 1-based): chr6:7,559,251, C>T. VCF-style: chr6-7559251-C-T. GRCh37 (hg19) VCF-style: chr6-7559484-C-T.
Other names: c.448C>T, p.Arg150Ter (NM_001008844.3, NM_001319034.2); short protein forms R150*.
Identifiers: ClinVar variation 1425499 (VCV001425499.15), dbSNP rs2113659637, ClinGen allele CA362672126.
Genomic context (GRCh38, chr6:7,559,251, plus strand): 5'-TTCCTGCAGTGGTTTAAAGGTTTTTTTCTTTGCAGGCTTCTTCAGCTCCAAGAGCAAATG[C>T]GAGCCCTTTATAAAGCCATCAGTGTCCCTCGAGTCCGCAGGGCCAGCTCCAAGGGTGGTG-3'